The following is an entry in ClinVar:

NM_000361.3(THBD):c.252G>T (p.Arg84=)

Gene: THBD (thrombomodulin; minus strand). Cytogenetic location: 20p11.21.
Variant type: single nucleotide variant.
Coding change: c.252G>T on transcript NM_000361.3 (MANE Select); coding-DNA position 252, G replaced by T.
Protein change: p.Arg84=; no amino-acid change (arginine 84 retained).
Molecular consequence: synonymous variant.
Genome position (GRCh38, 1-based): chr20:23,049,253, C>A on the plus strand (G>T on the coding strand, the complement: THBD is on the minus strand). VCF-style: chr20-23049253-C-A. GRCh37 (hg19) VCF-style: chr20-23029890-C-A.
Identifiers: ClinVar variation 4703192 (VCV004703192.1).

ClinVar aggregate classification (germline): Uncertain significance (1 of 4 stars; one submission).

gnomAD v4.1: 2 of 1,544,754 alleles (0.00013%); highest among the groups gnomAD compares: Non-Finnish European, 0.00017%; no homozygotes.

Submission:

Labcorp Genetics (formerly Invitae), Labcorp
Classification: Uncertain significance. Last evaluated: 2025-10-12. Review status: criteria provided, single submitter. Criteria: Invitae Variant Classification Sherloc (09022015). Collection method: clinical testing. Allele origin: germline.
Comment: This sequence change affects codon 84 of the THBD mRNA. It is a 'silent' change, meaning that it does not change the encoded amino acid sequence of the THBD protein. This variant is not present in population databases (gnomAD no frequency). This variant has not been reported in the literature in individuals affected with THBD-related conditions. In summary, the available evidence is currently insufficient to determine the role of this variant in disease. Therefore, it has been classified as a Variant of Uncertain Significance.